The following is an entry in ClinVar:

ClinVar aggregate classification (germline): Uncertain significance. Review status: criteria provided, multiple submitters, no conflicts (2 of 4 stars). 2 submissions from 2 submitters: Uncertain significance (2). Last evaluated 2021-11-08.

Conditions:
Joubert syndrome. Also called: Familial aplasia of the vermis; CEREBELLOPARENCHYMAL DISORDER IV; JOUBERT-BOLTSHAUSER SYNDROME. Identifiers: Orphanet 475, MedGen C5979921, MONDO:0018772.
Orofaciodigital syndrome I (OFD1). Also called: Papillon-Leage and Psaume Syndrome; Oral-Facial-Digital Syndrome Type I; OFDS I. Identifiers: Orphanet 2750, MedGen C1510460, MONDO:0010702, OMIM 311200.
Retinitis pigmentosa 23 (RP23). Identifiers: Orphanet 791, MedGen C1419610, MONDO:0010320, OMIM 300424.
Simpson-Golabi-Behmel syndrome type 2. Identifiers: Orphanet 79022, MedGen C1846175, MONDO:0010265, OMIM 300209.
Joubert syndrome 10 (JBTS10). Identifiers: Orphanet 2754, MedGen C2749019, MONDO:0010431, OMIM 300804.

Submissions (2):

Fulgent Genetics
Classification: Uncertain significance for Simpson-Golabi-Behmel syndrome type 2; Retinitis pigmentosa 23; Joubert syndrome 10; Orofaciodigital syndrome I. Last evaluated: 2021-11-08. Review status: criteria provided, single submitter. Criteria: ACMG Guidelines, 2015. Collection method: clinical testing. Allele origin: unknown.

Labcorp Genetics (formerly Invitae), Labcorp
Classification: Uncertain significance for Orofaciodigital syndrome I; Joubert syndrome. Last evaluated: 2020-04-17. Review status: criteria provided, single submitter. Criteria: Invitae Variant Classification Sherloc (09022015). Collection method: clinical testing. Allele origin: germline.
Comment: In summary, the available evidence is currently insufficient to determine the role of this variant in disease. Therefore, it has been classified as a Variant of Uncertain Significance. Algorithms developed to predict the effect of sequence changes on RNA splicing suggest that this variant may create or strengthen a splice site, but this prediction has not been confirmed by published transcriptional studies. Algorithms developed to predict the effect of missense changes on protein structure and function (SIFT, PolyPhen-2, Align-GVGD) all suggest that this variant is likely to be tolerated, but these predictions have not been confirmed by published functional studies and their clinical significance is uncertain. This variant has not been reported in the literature in individuals with OFD1-related conditions. This variant is not present in population databases (ExAC no frequency). This sequence change replaces alanine with glycine at codon 530 of the OFD1 protein (p.Ala530Gly). The alanine residue is moderately conserved and there is a small physicochemical difference between alanine and glycine.

NM_003611.3(OFD1):c.1589C>G (p.Ala530Gly)

Gene: OFD1 (OFD1 centriole and centriolar satellite protein; plus strand). Cytogenetic location: Xp22.2.
Variant type: single nucleotide variant.
Coding change: c.1589C>G on transcript NM_003611.3 (MANE Select); coding-DNA position 1589, C replaced by G.
Protein change: p.Ala530Gly; replaces alanine 530 with glycine.
Molecular consequence: missense variant.
Genome position (GRCh38, 1-based): chrX:13,758,383, C>G. VCF-style: chrX-13758383-C-G. GRCh37 (hg19) VCF-style: chrX-13776502-C-G.
Other names: c.1469C>G, p.Ala490Gly (NM_001330209.2); c.1169C>G, p.Ala390Gly (NM_001330210.2); short protein forms A490G, A530G, A390G.
Identifiers: ClinVar variation 1038468 (VCV001038468.10), dbSNP rs2047794483, ClinGen allele CA412343376.